The following is an entry in ClinVar:

ClinVar aggregate classification (germline): Uncertain significance. Review status: criteria provided, multiple submitters, no conflicts (2 of 4 stars). 2 submissions from 2 submitters: Uncertain significance (2). Last evaluated 2023-03-10.

Conditions:
Jeune thoracic dystrophy. Also called: Jeune syndrome; Infantile thoracic dystrophy; Thoracic pelvic phalangeal dystrophy; Jeune's syndrome; Chondroectodermal dysplasia-like syndrome; Short-rib thoracic dysplasia. Identifiers: Orphanet 474, MedGen C0265275, MONDO:0018770.
Nephronophthisis. Also called: Juvenile Nephronophthisis. Identifiers: Orphanet 655, MedGen C0687120, MONDO:0019005, HP:0000090.
Nephronophthisis 12 (NPHP12). Identifiers: Orphanet 655, MedGen C3151186, MONDO:0013442, OMIM 613820.
Asphyxiating thoracic dystrophy 4 (SRTD4). Also called: SHORT-RIB THORACIC DYSPLASIA 4; SHORT-RIB THORACIC DYSPLASIA 4 WITH OR WITHOUT POLYDACTYLY. Identifiers: Orphanet 474, MedGen C3151185, MONDO:0013441, OMIM 613819.

Allele frequency attached by ClinVar (database versions not stated): gnomAD exomes below 0.00001; ExAC 0.00001.
gnomAD v4.1: 8 of 1,614,088 alleles (0.0005%); highest among the groups gnomAD compares: South Asian, 0.0011%; no homozygotes.

Submissions (2):

Department of Pathology and Laboratory Medicine, Sinai Health System
Classification: Uncertain significance for Asphyxiating thoracic dystrophy 4; Nephronophthisis 12. Last evaluated: 2023-03-10. Review status: criteria provided, single submitter. Criteria: ACMG Guidelines, 2015. Collection method: research. Allele origin: germline.

Labcorp Genetics (formerly Invitae), Labcorp
Classification: Uncertain significance for Jeune thoracic dystrophy; Nephronophthisis. Last evaluated: 2022-07-19. Review status: criteria provided, single submitter. Criteria: Invitae Variant Classification Sherloc (09022015). Collection method: clinical testing. Allele origin: germline.
Comment: This sequence change replaces alanine, which is neutral and non-polar, with valine, which is neutral and non-polar, at codon 896 of the TTC21B protein (p.Ala896Val). This variant is present in population databases (rs768486051, gnomAD 0.0009%). This variant has not been reported in the literature in individuals affected with TTC21B-related conditions. ClinVar contains an entry for this variant (Variation ID: 1442660). Algorithms developed to predict the effect of missense changes on protein structure and function output the following: SIFT: "Tolerated"; PolyPhen-2: "Benign"; Align-GVGD: "Class C0". The valine amino acid residue is found in multiple mammalian species, which suggests that this missense change does not adversely affect protein function. In summary, the available evidence is currently insufficient to determine the role of this variant in disease. Therefore, it has been classified as a Variant of Uncertain Significance.

NM_024753.5(TTC21B):c.2687C>T (p.Ala896Val)

Gene: TTC21B (tetratricopeptide repeat domain 21B; minus strand). Cytogenetic location: 2q24.3.
Variant type: single nucleotide variant.
Coding change: c.2687C>T on transcript NM_024753.5 (MANE Select); coding-DNA position 2687, C replaced by T.
Protein change: p.Ala896Val; replaces alanine 896 with valine.
Molecular consequence: missense variant.
Genome position (GRCh38, 1-based): chr2:165,901,792, G>A on the plus strand (C>T on the coding strand, the complement: TTC21B is on the minus strand). VCF-style: chr2-165901792-G-A. GRCh37 (hg19) VCF-style: chr2-166758302-G-A.
Other names: short protein forms A896V.
Identifiers: ClinVar variation 1442660 (VCV001442660.7), dbSNP rs768486051, ClinGen allele CA1941751.